The following is an entry in ClinVar:

ClinVar aggregate classification (germline): Uncertain significance (1 of 4 stars; one submission).

Conditions:
Saldino-Mainzer syndrome (SRTD9). Also called: Renal dysplasia, retinal pigmentary dystrophy, cerebellar ataxia and skeletal dysplasia; CONORENAL SYNDROME; SHORT-RIB THORACIC DYSPLASIA 9 WITHOUT POLYDACTYLY; short-rib thoracic dysplasia 9 with or without polydactyly. Identifiers: Orphanet 140969, MedGen C1849437, MONDO:0009964, OMIM 266920.

Allele frequency attached by ClinVar (database versions not stated): gnomAD exomes below 0.00001; TOPMed 0.00001.
gnomAD v4.1: 9 of 1,598,692 alleles (0.00056%); highest among the groups gnomAD compares: East Asian, 0.02%; no homozygotes.

Submission:

Labcorp Genetics (formerly Invitae), Labcorp
Classification: Uncertain significance for Saldino-Mainzer syndrome. Last evaluated: 2022-07-12. Review status: criteria provided, single submitter. Criteria: Invitae Variant Classification Sherloc (09022015). Collection method: clinical testing. Allele origin: germline.
Comment: This sequence change replaces glutamine, which is neutral and polar, with lysine, which is basic and polar, at codon 675 of the IFT140 protein (p.Gln675Lys). This variant is present in population databases (no rsID available, gnomAD 0.006%). This variant has not been reported in the literature in individuals affected with IFT140-related conditions. Algorithms developed to predict the effect of missense changes on protein structure and function (SIFT, PolyPhen-2, Align-GVGD) all suggest that this variant is likely to be tolerated. ClinVar contains an entry for this variant (Variation ID: 1423197). In summary, the available evidence is currently insufficient to determine the role of this variant in disease. Therefore, it has been classified as a Variant of Uncertain Significance.

NM_014714.4(IFT140):c.2023C>A (p.Gln675Lys)

Gene: IFT140 (intraflagellar transport 140; minus strand). Cytogenetic location: 16p13.3.
Variant type: single nucleotide variant.
Coding change: c.2023C>A on transcript NM_014714.4 (MANE Select); coding-DNA position 2023, C replaced by A.
Protein change: p.Gln675Lys; replaces glutamine 675 with lysine.
Molecular consequence: missense variant.
Genome position (GRCh38, 1-based): chr16:1,564,041, G>T on the plus strand (C>A on the coding strand, the complement: IFT140 is on the minus strand). VCF-style: chr16-1564041-G-T. GRCh37 (hg19) VCF-style: chr16-1614042-G-T.
Other names: short protein forms Q675K.
Identifiers: ClinVar variation 1423197 (VCV001423197.6), dbSNP rs1202626787, ClinGen allele CA394204851.
Genomic context (GRCh38, chr16:1,564,041, plus strand): 5'-AACAGGCAGAGCGTACCGCAGGGCCAGCGCGCCCATCTTGGGGCTGCCCGTTTGCAGACT[G>T]AGGCTGGGAGCGCGGCGTCTCCTGCACGGCTTCGCATACAAACAGCCGGGGCTCACTCTG-3'
Protein context (NP_055529.2, residues 665-685): AVQETPRSQP[Gln675Lys]SANGQPQDGR